The following is an entry in ClinVar:

ClinVar aggregate classification (germline): Uncertain significance (1 of 4 stars; one submission).

Submission:

GeneDx
Classification: Uncertain significance. Last evaluated: 2023-05-23. Review status: criteria provided, single submitter. Criteria: GeneDx Variant Classification Process June 2021. Collection method: clinical testing. Allele origin: germline. Affected: yes.
Comment: Not observed at significant frequency in large population cohorts (gnomAD); In silico analysis supports that this missense variant has a deleterious effect on protein structure/function; Has not been previously published as pathogenic or benign to our knowledge

NM_030632.3(ASXL3):c.6137C>G (p.Pro2046Arg)

Gene: ASXL3 (ASXL transcriptional regulator 3; plus strand). Cytogenetic location: 18q12.1.
Variant type: single nucleotide variant.
Coding change: c.6137C>G on transcript NM_030632.3 (MANE Select); coding-DNA position 6137, C replaced by G.
Protein change: p.Pro2046Arg; replaces proline 2046 with arginine.
Molecular consequence: missense variant.
Genome position (GRCh38, 1-based): chr18:33,745,985, C>G. VCF-style: chr18-33745985-C-G. GRCh37 (hg19) VCF-style: chr18-31325949-C-G.
Other names: short protein forms P2046R.
Identifiers: ClinVar variation 3343672 (VCV003343672.1).